The following is an entry in ClinVar:

NC_000009.12:g.133273983A>G

Gene: ABO (ABO, alpha 1-3-N-acetylgalactosaminyltransferase and alpha 1-3-galactosyltransferase; minus strand). Cytogenetic location: 9q34.2.
Variant type: single nucleotide variant.
Genome position: GRCh38 VCF-style: chr9-133273983-A-G. GRCh37 (hg19) VCF-style: chr9-136149399-G-G.
Identifiers: ClinVar variation 1172911 (VCV001172911.1), dbSNP rs507666, ClinGen allele CA200771010.

ClinVar aggregate classification (germline): association (0 of 4 stars; one submission).

Conditions:
ABO blood group system. Also called: ABO BLOOD GROUP SYSTEM, O PHENOTYPE; ABO BLOOD GROUP SYSTEM, A/B POLYMORPHISM; ABO BLOOD GROUP SYSTEM, A2 PHENOTYPE; ABO BLOOD GROUP SYSTEM, CIS-AB PHENOTYPE; ABO BLOOD GROUP SYSTEM, B(A) PHENOTYPE. Identifiers: MedGen C0000778, OMIM 616093, HP:0032224.

Allele frequency attached by ClinVar (database versions not stated): 1000 Genomes Project 30x 0.85899; gnomAD 0.83172 and 0.83339; TOPMed 0.83664.

Submission:

Blood Transfusion Service Zurich, Swiss Red Cross
Classification: association for ABO blood group system. Last evaluated: 2021-05-01. Review status: no assertion criteria provided. Collection method: research. Allele origin: inherited. Inheritance: Codominant. Affected: yes.
Comment: ABO blood group system, phenotype A1, diagnostic specificity for ABO*A1.01 and ABO*A1.02 blood group alleles (rs507666 T allele, NG_006669.2:g.6232T)